The following is an entry in ClinVar:

NM_015559.3(SETBP1):c.604A>G (p.Thr202Ala)

Gene: SETBP1 (SET binding protein 1; plus strand). Cytogenetic location: 18q12.3.
Variant type: single nucleotide variant.
Coding change: c.604A>G on transcript NM_015559.3 (MANE Select); coding-DNA position 604, A replaced by G.
Protein change: p.Thr202Ala; replaces threonine 202 with alanine.
Molecular consequence: missense variant.
Genome position (GRCh38, 1-based): chr18:44,949,944, A>G. VCF-style: chr18-44949944-A-G. GRCh37 (hg19) VCF-style: chr18-42529909-A-G.
Other names: c.604A>G, p.Thr202Ala (NM_001379141.1, NM_001379142.1, NM_001410862.1); short protein forms T202A.
Identifiers: ClinVar variation 4532738 (VCV004532738.1).

ClinVar aggregate classification (germline): Uncertain significance (1 of 4 stars; one submission).

Submission:

GeneDx
Classification: Uncertain significance. Last evaluated: 2025-05-30. Review status: criteria provided, single submitter. Criteria: GeneDx Variant Classification Process June 2021. Collection method: clinical testing. Allele origin: germline. Affected: yes.
Comment: Not observed at significant frequency in large population cohorts (gnomAD); In silico analysis suggests that this missense variant does not alter protein structure/function; Has not been previously published as pathogenic or benign to our knowledge